The following is an entry in ClinVar:

NM_173651.4(FSIP2):c.916A>G (p.Met306Val)

Gene: FSIP2 (fibrous sheath interacting protein 2; plus strand). Cytogenetic location: 2q32.1.
Variant type: single nucleotide variant.
Coding change: c.916A>G on transcript NM_173651.4 (MANE Select); coding-DNA position 916, A replaced by G.
Protein change: p.Met306Val; replaces methionine 306 with valine.
Molecular consequence: missense variant.
Genome position (GRCh38, 1-based): chr2:185,753,767, A>G. VCF-style: chr2-185753767-A-G. GRCh37 (hg19) VCF-style: chr2-186618494-A-G.
Other names: short protein forms M306V.
Identifiers: ClinVar variation 3039528 (VCV003039528.2), dbSNP rs9808218, ClinGen allele CA2016474.
Genomic context (GRCh38, chr2:185,753,767, plus strand): 5'-TCTTTAATATTGTAGAAACAAGATCTTCTAGAGAAAAAAATGGCTTATCATTTACAAAAA[A>G]TGCAAGATACTGGCTTTAACGGAGAAGATATAGGAAAAAATACATTTAAATACAGAGGTC-3'
Protein context (NP_775922.3, residues 296-316): EKKMAYHLQK[Met306Val]QDTGFNGEDI

ClinVar aggregate classification (germline): Likely benign (0 of 4 stars; one submission).

Conditions:
FSIP2-related disorder. Also called: FSIP2-related condition.

Allele frequency attached by ClinVar (database versions not stated): ExAC 0.00110; gnomAD 0.00710; 1000 Genomes Project 0.00799; 1000 Genomes Project 30x 0.00859.
gnomAD v4.1: 2,001 of 1,423,236 alleles (0.14%); highest among the groups gnomAD compares: African/African-American, 2.4%; 25 homozygotes.

Submission:

PreventionGenetics, part of Exact Sciences
Classification: Likely benign for FSIP2-related condition. Last evaluated: 2019-04-11. Review status: no assertion criteria provided. Collection method: clinical testing. Allele origin: germline.
Comment: This variant is classified as likely benign based on ACMG/AMP sequence variant interpretation guidelines (Richards et al. 2015 PMID: 25741868, with internal and published modifications).